The following is an entry in ClinVar:

ClinVar aggregate classification (germline): Pathogenic. Review status: reviewed by expert panel (3 of 4 stars). 2 submissions from 2 submitters: Pathogenic (1). 1 of the submissions does not count toward it. Last evaluated 2016-10-18.

Conditions:
Breast-ovarian cancer, familial, susceptibility to, 2 (BROVCA2). Also called: BRCA2 Hereditary Breast and Ovarian Cancer. Identifiers: Orphanet 145, MedGen C2675520, MONDO:0012933, OMIM 612555. Disease mechanism: loss of function.

Submissions (2):

Evidence-based Network for the Interpretation of Germline Mutant Alleles (ENIGMA)
Classification: Pathogenic for Breast-ovarian cancer, familial, susceptibility to, 2. Last evaluated: 2016-10-18. Review status: reviewed by expert panel. Criteria: ENIGMA BRCA1/2 Classification Criteria (2015). Collection method: curation. Allele origin: germline.
Comment: Variant allele predicted to encode a truncated non-functional protein.

Consortium of Investigators of Modifiers of BRCA1/2 (CIMBA), c/o University of Cambridge
Classification: Pathogenic for Breast-ovarian cancer, familial, susceptibility to, 2. Last evaluated: 2015-10-02. Review status: criteria provided, single submitter. Criteria: CIMBA Mutation Classification guidelines May 2016. Collection method: clinical testing. Allele origin: germline. Not counted in ClinVar's aggregate classification.

NC_000013.11:g.32370444_32370454delinsA

Gene: BRCA2 (BRCA2 DNA repair associated; plus strand). Cytogenetic location: 13q13.1.
Variant type: Indel.
Genome position: GRCh38 VCF-style: chr13-32370444-CTTGGATTCTT-A. GRCh37 (hg19) VCF-style: chr13-32944581-CTTGGATTCTT-A.
Other names: 8602_8612delCTTGGATTCTTinsA; c.8374_8384delinsA, p.Leu2792fs (LRG_293t1).
Identifiers: ClinVar variation 267077 (VCV000267077.5), dbSNP rs886040766, ClinGen allele CA10589489.